The following is an entry in ClinVar:

ClinVar aggregate classification (germline): Uncertain significance (1 of 4 stars; one submission).

Submission:

GeneDx
Classification: Uncertain significance. Last evaluated: 2025-04-07. Review status: criteria provided, single submitter. Criteria: GeneDx Variant Classification Process June 2021. Collection method: clinical testing. Allele origin: germline. Affected: yes.
Comment: Not observed at significant frequency in large population cohorts (gnomAD); In silico analysis indicates that this missense variant does not alter protein structure/function; Has not been previously published as pathogenic or benign to our knowledge

NM_006662.3(SRCAP):c.7774A>T (p.Ile2592Phe)

Gene: SRCAP (Snf2 related CREBBP activator protein; plus strand). Cytogenetic location: 16p11.2.
Variant type: single nucleotide variant.
Coding change: c.7774A>T on transcript NM_006662.3 (MANE Select); coding-DNA position 7774, A replaced by T.
Protein change: p.Ile2592Phe; replaces isoleucine 2592 with phenylalanine.
Molecular consequence: missense variant.
Genome position (GRCh38, 1-based): chr16:30,737,814, A>T. VCF-style: chr16-30737814-A-T. GRCh37 (hg19) VCF-style: chr16-30749135-A-T.
Other names: short protein forms I2592F.
Identifiers: ClinVar variation 4281768 (VCV004281768.1).
Genomic context (GRCh38, chr16:30,737,814, plus strand): 5'-TCAGAAACCTCCTCACTTTCTCTTGTGCCCCCTAAAGATCTGTTGCCAGTTGCTGTGGAG[A>T]TCCTGCCTGTGTCAGAGAAGAACCTTTCTCTCACCCCTTCTGCACCCAGCCTGACCTTGG-3'
Protein context (NP_006653.2, residues 2582-2602): PKDLLPVAVE[Ile2592Phe]LPVSEKNLSL